The following is an entry in ClinVar:

NC_000001.11:g.230710048A>G

Gene: AGT (angiotensinogen; minus strand). Cytogenetic location: 1q42.2.
Variant type: single nucleotide variant.
Genome position: GRCh38 VCF-style: chr1-230710048-A-G. GRCh37 (hg19) VCF-style: chr1-230845794-A-G.
Other names: M235T; NM_000029.3:c.803T>C; NM_000029.4:c.803T>C.
Identifiers: ClinVar variation 18068 (VCV000018068.37), dbSNP rs699, ClinGen allele CA127784.

ClinVar aggregate classification (germline): Benign. Review status: criteria provided, multiple submitters, no conflicts (2 of 4 stars). 12 submissions from 12 submitters: Benign (8). 4 of the submissions do not count toward it. Last evaluated 2026-02-04.

Conditions:
Renal tubular dysgenesis. Also called: Renotubular dysgenesis. Identifiers: Orphanet 3033, MedGen C0266313, MONDO:0017609, HP:0008660.
Hypertensive disorder. Also called: Hypertension. Identifiers: MedGen C0020538, MONDO:0005044, HP:0000822.
Hypertension, essential, susceptibility to.

Allele frequency attached by ClinVar (database versions not stated): gnomAD 0.57945 and 0.57702; TOPMed 0.60376; 1000 Genomes Project 0.70507; 1000 Genomes Project 30x 0.70612; gnomAD exomes 0.45632 and 0.54814; ExAC 0.54843.
gnomAD v4.1: 757,462 of 1,613,874 alleles (47%); highest among the groups gnomAD compares: African/African-American, 84%; 191,182 homozygotes.

Submissions (12):

Labcorp Genetics (formerly Invitae), Labcorp
Classification: Benign. Last evaluated: 2026-02-04. Review status: criteria provided, single submitter. Criteria: Invitae Variant Classification Sherloc (09022015). Collection method: clinical testing. Allele origin: germline.

Blueprint Genetics
Classification: Benign. Last evaluated: 2024-11-26. Review status: criteria provided, single submitter. Criteria: ACMG Guidelines, 2015. Collection method: clinical testing. Allele origin: germline.

Mayo Clinic Laboratories, Mayo Clinic
Classification: Benign. Last evaluated: 2022-11-15. Review status: criteria provided, single submitter. Criteria: ACMG Guidelines, 2015. Collection method: clinical testing. Allele origin: germline. Observed: 57 variant alleles.
Comment: BA1, BP4

Genome-Nilou Lab
Classification: Benign for Renal tubular dysgenesis of genetic origin. Last evaluated: 2021-07-14. Review status: criteria provided, single submitter. Criteria: ACMG Guidelines, 2015. Collection method: clinical testing. Allele origin: germline. Affected: no.

GeneDx
Classification: Benign. Last evaluated: 2018-03-13. Review status: criteria provided, single submitter. Criteria: GeneDx Variant Classification (06012015). Collection method: clinical testing. Allele origin: germline. Affected: yes.
Comment: This variant is considered likely benign or benign based on one or more of the following criteria: it is a conservative change, it occurs at a poorly conserved position in the protein, it is predicted to be benign by multiple in silico algorithms, and/or has population frequency not consistent with disease.

Illumina Laboratory Services, Illumina
Classification: Benign for Renal tubular dysgenesis of genetic origin. Last evaluated: 2018-03-06. Review status: criteria provided, single submitter. Criteria: ICSL Variant Classification Criteria 13 December 2019. Collection method: clinical testing. Allele origin: germline.
Comment: This variant was observed in the ICSL laboratory as part of a predisposition screen in an ostensibly healthy population. It had not been previously curated by ICSL or reported in the Human Gene Mutation Database (HGMD: prior to June 1st, 2018), and was therefore a candidate for classification through an automated scoring system. Utilizing variant allele frequency, disease prevalence and penetrance estimates, and inheritance mode, an automated score was calculated to assess if this variant is too frequent to cause the disease. Based on the score and internal cut-off values, a variant classified as benign is not then subjected to further curation. The score for this variant resulted in a classification of benign for this disease.

Breakthrough Genomics
Classification: Benign. Review status: criteria provided, single submitter. Criteria: ACMG Guidelines, 2015. Collection method: not provided. Allele origin: germline. Inheritance: Multifactorial inheritance. Affected: yes.

PreventionGenetics, part of Exact Sciences
Classification: Benign. Review status: criteria provided, single submitter. Criteria: ACMG Guidelines, 2015. Collection method: clinical testing. Allele origin: germline.

iDNA Genomics
Classification: Benign for hypertension. Last evaluated: 2021-10-12. Review status: no assertion criteria provided. Collection method: reference population. Allele origin: unknown. Not counted in ClinVar's aggregate classification.

OMIM
Classification: Benign for RECLASSIFIED - AGT POLYMORPHISM. Last evaluated: 2005-01-01. Review status: no assertion criteria provided. Collection method: literature only. Allele origin: germline. Not counted in ClinVar's aggregate classification.

Diagnostic Laboratory, Department of Genetics, University Medical Center Groningen
Classification: Benign. Review status: no assertion criteria provided. Collection method: clinical testing. Allele origin: germline. Affected: yes. Study: VKGL Data-share Consensus. Not counted in ClinVar's aggregate classification.

Joint Genome Diagnostic Labs from Nijmegen and Maastricht, Radboudumc and MUMC+
Classification: Benign. Review status: no assertion criteria provided. Collection method: clinical testing. Allele origin: germline. Affected: yes. Study: VKGL Data-share Consensus. Not counted in ClinVar's aggregate classification.

Literature cited by the submitters: Hamosh, A. Personal Communication. 2024. Baltimore, Md. (cited by OMIM); PubMed 1394429 (cited by OMIM); Lifton, R. P., Warnock, D., Acton, R. T., Harman, L., Lalouel, J. M. High prevalence of hypertension-associated angiotensinogen variant T235 in African Americans. (Abstract) Clin. Res. 41: 260A, 1993. (cited by OMIM); PubMed 8518804 (cited by OMIM); PubMed 7883995 (cited by OMIM); PubMed 7649545 (cited by OMIM); PubMed 9421481 (cited by OMIM); PubMed 9831339 (cited by OMIM); PubMed 8513325 (cited by OMIM); PubMed 8348146 (cited by OMIM); PubMed 16059745 (cited by OMIM); PubMed 9259580 (cited by OMIM).